The following is an entry in ClinVar:

ClinVar aggregate classification (germline): Pathogenic. Review status: criteria provided, multiple submitters, no conflicts (2 of 4 stars). 2 submissions from 2 submitters: Pathogenic (2). Last evaluated 2025-11-17.

Allele frequency attached by ClinVar (database versions not stated): TOPMed below 0.00001; ExAC 0.00001; gnomAD 0.00001; gnomAD exomes 0.00002.

Submissions (2):

Labcorp Genetics (formerly Invitae), Labcorp
Classification: Pathogenic. Last evaluated: 2025-11-17. Review status: criteria provided, single submitter. Criteria: Invitae Variant Classification Sherloc (09022015). Collection method: clinical testing. Allele origin: germline.
Comment: This sequence change creates a premature translational stop signal (p.Ser2213*) in the TG gene. It is expected to result in an absent or disrupted protein product. Loss-of-function variants in TG are known to be pathogenic (PMID: 19837936, 23164529). This variant is present in population databases (rs775044481, gnomAD 0.0009%). This variant has not been reported in the literature in individuals affected with TG-related conditions. ClinVar contains an entry for this variant (Variation ID: 2910755). Algorithms developed to predict the effect of sequence changes on RNA splicing suggest that this variant may disrupt the consensus splice site. For these reasons, this variant has been classified as Pathogenic.

GeneDx
Classification: Pathogenic. Last evaluated: 2024-05-29. Review status: criteria provided, single submitter. Criteria: GeneDx Variant Classification Process June 2021. Collection method: clinical testing. Allele origin: germline. Affected: yes.
Comment: Nonsense variant predicted to result in protein truncation or nonsense mediated decay in a gene for which loss-of-function is a known mechanism of disease; Not observed at significant frequency in large population cohorts (gnomAD); Has not been previously published in association with a TG-related disorder to our knowledge; This variant is associated with the following publications: (PMID: 34200080, 35177841)

Literature cited by the submitters: PubMed 19837936 (cited by Labcorp Genetics (formerly Invitae), Labcorp); PubMed 23164529 (cited by Labcorp Genetics (formerly Invitae), Labcorp).

NM_003235.5(TG):c.6634_6637dup (p.Ser2213Ter)

Gene: TG (thyroglobulin; plus strand). Cytogenetic location: 8q24.22.
Variant type: Duplication.
Coding change: c.6634_6637dup on transcript NM_003235.5 (MANE Select); coding-DNA positions 6634 to 6637, 4 bases duplicated (AGGT; older notation c.6634_6637dupAGGT).
Protein change: p.Ser2213Ter; replaces serine 2213 with a stop codon.
Molecular consequence: nonsense.
Genome position (GRCh38, 1-based): chr8:133,017,849-133,017,852, AGGT duplicated. VCF-style (leftmost placement, unchanged base first): chr8-133017848-C-CAGGT. GRCh37 (hg19) VCF-style: chr8-134030093-C-CAGGT.
Other names: short protein forms S2213*.
Identifiers: ClinVar variation 2910755 (VCV002910755.4), dbSNP rs775044481, ClinGen allele CA4884993.